The following is an entry in ClinVar:

NM_015374.3(SUN2):c.1132G>A (p.Val378Ile)

Genes: GTPBP1 (GTP binding protein 1; plus strand), SUN2 (Sad1 and UNC84 domain containing 2; minus strand). Cytogenetic location: 22q13.1.
Variant type: single nucleotide variant.
Coding change: c.1132G>A on transcript NM_015374.3 (MANE Select); coding-DNA position 1132, G replaced by A.
Protein change: p.Val378Ile; replaces valine 378 with isoleucine.
Molecular consequence: missense variant.
Genome position (GRCh38, 1-based): chr22:38,741,508, C>T on the plus strand (G>A on the coding strand, the complement: SUN2 is on the minus strand). VCF-style: chr22-38741508-C-T. GRCh37 (hg19) VCF-style: chr22-39137513-C-T.
Other names: p.Val378Ile; c.1195G>A, p.Val399Ile (NM_001199579.2); c.1132G>A, p.Val378Ile (NM_001199580.2); short protein forms V378I, V399I.
Identifiers: ClinVar variation 461671 (VCV000461671.15), dbSNP rs139004902, ClinGen allele CA10235664.

ClinVar aggregate classification (germline): Benign. Review status: criteria provided, multiple submitters, no conflicts (2 of 4 stars). 3 submissions from 3 submitters: Benign (3). Last evaluated 2026-01-28.

Conditions:
Emery-Dreifuss muscular dystrophy (EDMD). Also called: Scapuloperoneal syndrome, X-linked (formerly); Humeroperoneal neuromuscular disease, (formerly). Identifiers: Orphanet 261, MedGen C0410189, MONDO:0016830.

Allele frequency attached by ClinVar (database versions not stated): 1000 Genomes Project 0.00379; 1000 Genomes Project 30x 0.00422; TOPMed 0.00611; gnomAD 0.00698 and 0.00721; ESP Exome Variant Server 0.00723; gnomAD exomes 0.00742 and 0.00868; ExAC 0.00804.
gnomAD v4.1: 13,685 of 1,613,910 alleles (0.85%); highest among the groups gnomAD compares: Non-Finnish European, 0.96%; 63 homozygotes.

Submissions (3):

Labcorp Genetics (formerly Invitae), Labcorp
Classification: Benign for Emery-Dreifuss muscular dystrophy. Last evaluated: 2026-01-28. Review status: criteria provided, single submitter. Criteria: Invitae Variant Classification Sherloc (09022015). Collection method: clinical testing. Allele origin: germline.

Mayo Clinic Laboratories, Mayo Clinic
Classification: Benign. Last evaluated: 2023-03-21. Review status: criteria provided, single submitter. Criteria: ACMG Guidelines, 2015. Collection method: clinical testing. Allele origin: germline. Observed: 6 variant alleles.
Comment: BS1, BS2, BP4

Breakthrough Genomics
Classification: Benign. Review status: criteria provided, single submitter. Criteria: ACMG Guidelines, 2015. Collection method: not provided. Allele origin: germline. Inheritance: Unknown mechanism. Affected: yes.

Literature cited by the submitters: PubMed 25210889 (cited by Mayo Clinic Laboratories, Mayo Clinic).